The following is an entry in ClinVar:

NM_012073.5(CCT5):c.490C>T (p.Pro164Ser)

Gene: CCT5 (chaperonin containing TCP1 subunit 5; plus strand). Cytogenetic location: 5p15.2.
Variant type: single nucleotide variant.
Coding change: c.490C>T on transcript NM_012073.5 (MANE Select); coding-DNA position 490, C replaced by T.
Protein change: p.Pro164Ser; replaces proline 164 with serine.
Molecular consequence: missense variant.
Genome position (GRCh38, 1-based): chr5:10,256,113, C>T. VCF-style: chr5-10256113-C-T. GRCh37 (hg19) VCF-style: chr5-10256225-C-T.
Other names: c.427C>T, p.Pro143Ser (NM_001306153.1); c.325C>T, p.Pro109Ser (NM_001306154.2); c.211C>T, p.Pro71Ser (NM_001306155.2); c.376C>T, p.Pro126Ser (NM_001306156.2); short protein forms P109S, P126S, P71S, P164S, P143S.
Identifiers: ClinVar variation 2398858 (VCV002398858.4), dbSNP rs1391060196, ClinGen allele CA359181523.

ClinVar aggregate classification (germline): Uncertain significance. Review status: criteria provided, multiple submitters, no conflicts (2 of 4 stars). 2 submissions from 2 submitters: Uncertain significance (2). Last evaluated 2024-11-08.

Conditions:
Hereditary sensory and autonomic neuropathy with spastic paraplegia (HSNSP). Identifiers: Orphanet 139578, MedGen C1850395, MONDO:0009748, OMIM 256840.

Allele frequency attached by ClinVar (database versions not stated): gnomAD exomes below 0.00001.
gnomAD v4.1: 3 of 1,613,884 alleles (0.00019%); highest among the groups gnomAD compares: Non-Finnish European, 0.00025%; no homozygotes.

Submissions (2):

Labcorp Genetics (formerly Invitae), Labcorp
Classification: Uncertain significance for Hereditary sensory and autonomic neuropathy with spastic paraplegia. Last evaluated: 2024-11-08. Review status: criteria provided, single submitter. Criteria: Invitae Variant Classification Sherloc (09022015). Collection method: clinical testing. Allele origin: germline.
Comment: This sequence change replaces proline, which is neutral and non-polar, with serine, which is neutral and polar, at codon 164 of the CCT5 protein (p.Pro164Ser). This variant is present in population databases (no rsID available, gnomAD 0.0009%). This variant has not been reported in the literature in individuals affected with CCT5-related conditions. ClinVar contains an entry for this variant (Variation ID: 2398858). Invitae Evidence Modeling of protein sequence and biophysical properties (such as structural, functional, and spatial information, amino acid conservation, physicochemical variation, residue mobility, and thermodynamic stability) indicates that this missense variant is not expected to disrupt CCT5 protein function with a negative predictive value of 80%. In summary, the available evidence is currently insufficient to determine the role of this variant in disease. Therefore, it has been classified as a Variant of Uncertain Significance.

Ambry Genetics
Classification: Uncertain significance. Last evaluated: 2022-06-24. Review status: criteria provided, single submitter. Criteria: Ambry Variant Classification Scheme 2023. Collection method: clinical testing. Allele origin: germline.